The following is an entry in ClinVar:

ClinVar aggregate classification (germline): Benign. Review status: criteria provided, multiple submitters, no conflicts (2 of 4 stars). 3 submissions from 3 submitters: Benign (2). 1 of the submissions does not count toward it. Last evaluated 2025-11-08.

Conditions:
KEL-related disorder. Also called: KEL-related condition.
KELL K/k BLOOD GROUP POLYMORPHISM.

Allele frequency attached by ClinVar (database versions not stated): 1000 Genomes Project 30x 0.01140; 1000 Genomes Project 0.01238; gnomAD 0.02629 and 0.02660; TOPMed 0.02644; gnomAD exomes 0.02690; ExAC 0.02744.
gnomAD v4.1: 57,541 of 1,614,034 alleles (3.6%); highest among the groups gnomAD compares: Middle Eastern, 4.9%; 1,186 homozygotes.

Submissions (3):

PreventionGenetics, part of Exact Sciences
Classification: Benign for KEL-related condition. Last evaluated: 2025-11-08. Review status: criteria provided, single submitter. Criteria: ACMG Guidelines, 2015. Collection method: clinical testing. Allele origin: germline.
Comment: This variant is classified as benign based on ACMG/AMP sequence variant interpretation guidelines (Richards et al. 2015 PMID: 25741868, with internal and published modifications).

Breakthrough Genomics
Classification: Benign. Review status: criteria provided, single submitter. Criteria: ACMG Guidelines, 2015. Collection method: not provided. Allele origin: germline. Inheritance: Unknown mechanism. Affected: yes.

OMIM
Classification: Benign for KELL K/k BLOOD GROUP POLYMORPHISM. Last evaluated: 1996-06-01. Review status: no assertion criteria provided. Collection method: literature only. Allele origin: germline. Not counted in ClinVar's aggregate classification.

Literature cited by the submitters: PubMed 7849312 (cited by OMIM); PubMed 8652402 (cited by OMIM).

NM_000420.3(KEL):c.578C>T (p.Thr193Met)

Gene: KEL (Kell metallo-endopeptidase (Kell blood group); minus strand). Cytogenetic location: 7q34.
Variant type: single nucleotide variant.
Coding change: c.578C>T on transcript NM_000420.3 (MANE Select); coding-DNA position 578, C replaced by T.
Protein change: p.Thr193Met; replaces threonine 193 with methionine.
Molecular consequence: missense variant.
Genome position (GRCh38, 1-based): chr7:142,957,921, G>A on the plus strand (C>T on the coding strand, the complement: KEL is on the minus strand). VCF-style: chr7-142957921-G-A. GRCh37 (hg19) VCF-style: chr7-142655008-G-A.
Other names: c.578C>T (NM_000420.2); short protein forms T193M.
Identifiers: ClinVar variation 17722 (VCV000017722.3), dbSNP rs8176058, ClinGen allele CA127344.